The following is an entry in ClinVar:

ClinVar aggregate classification (germline): Uncertain significance (1 of 4 stars; one submission).

Allele frequency attached by ClinVar (database versions not stated): gnomAD 0.00001; TOPMed 0.00001; gnomAD exomes 0.00002; ExAC 0.00003.
gnomAD v4.1: 34 of 1,613,782 alleles (0.0021%); highest among the groups gnomAD compares: Non-Finnish European, 0.0029%; no homozygotes.

Submission:

Labcorp Genetics (formerly Invitae), Labcorp
Classification: Uncertain significance. Last evaluated: 2022-09-07. Review status: criteria provided, single submitter. Criteria: Invitae Variant Classification Sherloc (09022015). Collection method: clinical testing. Allele origin: germline.
Comment: This sequence change replaces proline, which is neutral and non-polar, with leucine, which is neutral and non-polar, at codon 2102 of the PCLO protein (p.Pro2102Leu). This variant is present in population databases (rs768727399, gnomAD 0.005%). This variant has not been reported in the literature in individuals affected with PCLO-related conditions. Algorithms developed to predict the effect of missense changes on protein structure and function are either unavailable or do not agree on the potential impact of this missense change (SIFT: "Deleterious"; PolyPhen-2: "Not Available"; Align-GVGD: "Class C0"). In summary, the available evidence is currently insufficient to determine the role of this variant in disease. Therefore, it has been classified as a Variant of Uncertain Significance.

NM_033026.6(PCLO):c.6305C>T (p.Pro2102Leu)

Gene: PCLO (piccolo presynaptic cytomatrix protein; minus strand). Cytogenetic location: 7q21.11.
Variant type: single nucleotide variant.
Coding change: c.6305C>T on transcript NM_033026.6 (MANE Select); coding-DNA position 6305, C replaced by T.
Protein change: p.Pro2102Leu; replaces proline 2102 with leucine.
Molecular consequence: missense variant.
Genome position (GRCh38, 1-based): chr7:82,954,648, G>A on the plus strand (C>T on the coding strand, the complement: PCLO is on the minus strand). VCF-style: chr7-82954648-G-A. GRCh37 (hg19) VCF-style: chr7-82583964-G-A.
Other names: c.6305C>T, p.Pro2102Leu (NM_014510.3); short protein forms P2102L.
Identifiers: ClinVar variation 2069204 (VCV002069204.1), dbSNP rs768727399, ClinGen allele CA4320497.
Genomic context (GRCh38, chr7:82,954,648, plus strand): 5'-CTGCTGGTCGAATCTGTAAGAGACGCTCCTGAGAGAACACTTGATGTCAAAGAGGCATCT[G>A]GCATTCTGTCAAAGTCCATGGTGGACTCTGTCATATCCTCACCAATGGGGGCCTGGGTTG-3'
Protein context (NP_149015.2, residues 2092-2112): TESTMDFDRM[Pro2102Leu]DASLTSSVLS